The following is an entry in ClinVar:

ClinVar aggregate classification (germline): Uncertain significance (1 of 4 stars; one submission).

Conditions:
Inborn genetic diseases. Identifiers: MedGen C0950123, MeSH D030342.

gnomAD v4.1: 2 of 1,612,750 alleles (0.00012%); highest among the groups gnomAD compares: Non-Finnish European, 0.00017%; no homozygotes.

Submission:

Ambry Genetics
Classification: Uncertain significance for Inborn genetic diseases. Last evaluated: 2024-06-22. Review status: criteria provided, single submitter. Criteria: Ambry Variant Classification Scheme 2023. Collection method: clinical testing. Allele origin: germline.
Comment: The p.H418Q variant (also known as c.1254C>G), located in coding exon 10 of the ACD gene, results from a C to G substitution at nucleotide position 1254. The histidine at codon 418 is replaced by glutamine, an amino acid with highly similar properties. This amino acid position is conserved. In addition, this alteration is predicted to be tolerated by in silico analysis. Since supporting evidence is limited at this time, the clinical significance of this alteration remains unclear.

NM_001082486.2(ACD):c.996C>G (p.His332Gln)

Gene: ACD (ACD shelterin complex subunit and telomerase recruitment factor; minus strand). Cytogenetic location: 16q22.1.
Variant type: single nucleotide variant.
Coding change: c.996C>G on transcript NM_001082486.2 (MANE Select); coding-DNA position 996, C replaced by G.
Protein change: p.His332Gln; replaces histidine 332 with glutamine.
Molecular consequence: missense variant.
Genome position (GRCh38, 1-based): chr16:67,658,196, G>C on the plus strand (C>G on the coding strand, the complement: ACD is on the minus strand). VCF-style: chr16-67658196-G-C. GRCh37 (hg19) VCF-style: chr16-67692099-G-C.
Other names: c.909C>G, p.His303Gln (NM_001410884.1); c.987C>G, p.His329Gln (NM_022914.3); short protein forms H329Q, H332Q, H303Q.
Identifiers: ClinVar variation 1761419 (VCV001761419.3), dbSNP rs560864093, ClinGen allele CA396352547.